The following is an entry in ClinVar:

NM_021971.4(GMPPB):c.225del (p.Ser76fs)

Genes: GMPPB (GDP-mannose pyrophosphorylase B; minus strand), LOC129936764 (ATAC-STARR-seq lymphoblastoid active region 19874; plus strand). Cytogenetic location: 3p21.31.
Variant type: Deletion.
Coding change: c.225del on transcript NM_021971.4 (MANE Select); coding-DNA position 225, one base deleted (C; older notation c.225delC).
Protein change: p.Ser76fs; shifts the reading frame from serine 76.
Molecular consequence: frameshift variant.
Genome position (GRCh38, 1-based): chr3:49,723,288, G deleted on the plus strand (C on the coding strand, the reverse complement: GMPPB is on the minus strand). VCF-style (leftmost placement, unchanged base first): chr3-49723287-AG-A. GRCh37 (hg19) VCF-style: chr3-49760720-AG-A.
Other names: c.225del, p.Ser76fs (NM_013334.4); short protein forms S76fs.
Identifiers: ClinVar variation 2001208 (VCV002001208.4), dbSNP rs2544756965, ClinGen allele CA2580070113.

ClinVar aggregate classification (germline): Pathogenic (1 of 4 stars; one submission).

Conditions:
Muscular dystrophy-dystroglycanopathy (congenital with impaired intellectual development), type B, 14. Also called: MUSCULAR DYSTROPHY, CONGENITAL, GMPPB-RELATED; Congenital muscular dystrophy-dystroglycanopathy with mental retardation, type B14; Muscular dystrophy-dystroglycanopathy (congenital with intellectual disability), type B14. Identifiers: MedGen C3809221, MONDO:0014141, OMIM 615351.
Muscular dystrophy-dystroglycanopathy (congenital with brain and eye anomalies), type A14. Also called: WALKER-WARBURG SYNDROME OR MUSCLE-EYE-BRAIN DISEASE, GMPPB-RELATED; Muscular dystrophy-dystroglycanopathy (congenital with brain and eye anomalies), type a, 14; Congenital Muscular Dystrophy-Dystroglycanopathy with Brain and Eye Anomalies Type A 14; Congenital muscular dystrophy-dystroglycanopathy with brain and eye anomalies, type A14. Identifiers: Orphanet 588, MedGen C3809216, MONDO:0014140, OMIM 615350.
Autosomal recessive limb-girdle muscular dystrophy type 2T. Also called: MUSCULAR DYSTROPHY-DYSTROGLYCANOPATHY, LIMB-GIRDLE, GMPPB-RELATED; MUSCULAR DYSTROPHY, LIMB-GIRDLE, TYPE 2T; Muscular dystrophy-dystroglycanopathy (limb-girdle), type c, 14; Limb-girdle muscular dystrophy-dystroglycanopathy, type C14. Identifiers: Orphanet 363623, MedGen C4518000, MONDO:0014142, OMIM 615352.

Submission:

Labcorp Genetics (formerly Invitae), Labcorp
Classification: Pathogenic for Autosomal recessive limb-girdle muscular dystrophy type 2T; Muscular dystrophy-dystroglycanopathy (congenital with brain and eye anomalies), type A14; Muscular dystrophy-dystroglycanopathy (congenital with impaired intellectual development), type B, 14. Last evaluated: 2022-05-30. Review status: criteria provided, single submitter. Criteria: Invitae Variant Classification Sherloc (09022015). Collection method: clinical testing. Allele origin: germline.
Comment: This sequence change creates a premature translational stop signal (p.Ser76Profs*36) in the GMPPB gene. It is expected to result in an absent or disrupted protein product. Loss-of-function variants in GMPPB are known to be pathogenic (PMID: 23768512, 26310427). This variant is not present in population databases (gnomAD no frequency). This variant has not been reported in the literature in individuals affected with GMPPB-related conditions. For these reasons, this variant has been classified as Pathogenic.

Literature cited by the submitters: PubMed 23768512; PubMed 26310427.